The following is an entry in ClinVar:

ClinVar aggregate classification (germline): Conflicting classifications of pathogenicity. Review status: criteria provided, conflicting classifications (1 of 4 stars). 2 submissions from 2 submitters: Uncertain significance (1); Benign (1). Last evaluated 2025-09-10.

Conditions:
Amyotrophic lateral sclerosis type 4 (ALS4). Also called: AMYOTROPHIC LATERAL SCLEROSIS 4, JUVENILE; NEURONOPATHY, DISTAL HEREDITARY MOTOR, WITH PYRAMIDAL FEATURES. Identifiers: Orphanet 357043, MedGen C1865409, MONDO:0011223, OMIM 602433.
Spinocerebellar ataxia, autosomal recessive, with axonal neuropathy 2 (SCAN2). Also called: ATAXIA-OCULOMOTOR APRAXIA 2; Ataxia with Oculomotor Apraxia; Ataxia with Oculomotor Apraxia Type 2; Ataxia-ocular apraxia-2. Identifiers: Orphanet 64753, MedGen C1853761, MONDO:0018996, OMIM 606002.
SETX-related disorder. Also called: SETX-related condition; SETX-related disorders. Identifiers: MedGen CN239403.

Allele frequency attached by ClinVar (database versions not stated): ExAC 0.00002; gnomAD exomes 0.00002; TOPMed 0.00002; gnomAD 0.00003; ESP Exome Variant Server 0.00008.
gnomAD v4.1: 66 of 1,613,922 alleles (0.0041%); highest among the groups gnomAD compares: Non-Finnish European, 0.0053%; no homozygotes.

Submissions (2):

PreventionGenetics, part of Exact Sciences
Classification: Uncertain significance for SETX-related condition. Last evaluated: 2025-09-10. Review status: criteria provided, single submitter. Criteria: ACMG Guidelines, 2015. Collection method: clinical testing. Allele origin: germline.
Comment: The SETX c.3260C>T variant is predicted to result in the amino acid substitution p.Ser1087Phe. To our knowledge, this variant has not been reported in the literature. This variant is reported in 0.0080% of alleles in individuals of African descent in gnomAD. At this time, the clinical significance of this variant is uncertain due to the absence of conclusive functional and genetic evidence.

Labcorp Genetics (formerly Invitae), Labcorp
Classification: Benign for Amyotrophic lateral sclerosis type 4; Spinocerebellar ataxia, autosomal recessive, with axonal neuropathy 2. Last evaluated: 2023-07-07. Review status: criteria provided, single submitter. Criteria: Invitae Variant Classification Sherloc (09022015). Collection method: clinical testing. Allele origin: germline.

NM_015046.7(SETX):c.3260C>T (p.Ser1087Phe)

Gene: SETX (senataxin; minus strand). Cytogenetic location: 9q34.13.
Variant type: single nucleotide variant.
Coding change: c.3260C>T on transcript NM_015046.7 (MANE Select); coding-DNA position 3260, C replaced by T.
Protein change: p.Ser1087Phe; replaces serine 1087 with phenylalanine.
Molecular consequence: missense variant.
Genome position (GRCh38, 1-based): chr9:132,328,338, G>A on the plus strand (C>T on the coding strand, the complement: SETX is on the minus strand). VCF-style: chr9-132328338-G-A. GRCh37 (hg19) VCF-style: chr9-135203725-G-A.
Other names: c.3260C>T (NM_015046.5); c.3260C>T, p.Ser1087Phe (NM_001351527.2, NM_001351528.2); short protein forms S1087F.
Identifiers: ClinVar variation 1516623 (VCV001516623.7), dbSNP rs139559547, ClinGen allele CA5297443.